The following is an entry in ClinVar:

NM_139027.6(ADAMTS13):c.2068G>A (p.Ala690Thr)

Gene: ADAMTS13 (ADAM metallopeptidase with thrombospondin type 1 motif 13; plus strand). Cytogenetic location: 9q34.2.
Variant type: single nucleotide variant.
Coding change: c.2068G>A on transcript NM_139027.6 (MANE Select); coding-DNA position 2068, G replaced by A.
Protein change: p.Ala690Thr; replaces alanine 690 with threonine.
Molecular consequence: missense variant.
Genome position (GRCh38, 1-based): chr9:133,442,498, G>A. VCF-style: chr9-133442498-G-A. GRCh37 (hg19) VCF-style: chr9-136307619-G-A.
Other names: c.2068G>A, p.Ala690Thr (NM_139025.5); c.1975G>A, p.Ala659Thr (NM_139026.6); short protein forms A659T, A690T.
Identifiers: ClinVar variation 1163035 (VCV001163035.7), dbSNP rs374840594, ClinGen allele CA200933928.

ClinVar aggregate classification (germline): Likely pathogenic. Review status: criteria provided, multiple submitters, no conflicts (2 of 4 stars). 3 submissions from 3 submitters: Likely pathogenic (3). Last evaluated 2026-07-18.

Conditions:
ADAMTS13-related disorder. Also called: ADAMTS13-related condition.
Upshaw-Schulman syndrome (TTP). Also called: Congenital thrombotic thrombocytopenic purpura; THROMBOTIC THROMBOCYTOPENIC PURPURA, HEREDITARY. Identifiers: Orphanet 93583, MedGen C1268935, MONDO:0010122, OMIM 274150.

Allele frequency attached by ClinVar (database versions not stated): ExAC 0.00001; gnomAD 0.00001 and 0.00002; gnomAD exomes 0.00001; TOPMed 0.00002; ESP Exome Variant Server 0.00008.
gnomAD v4.1: 26 of 1,613,686 alleles (0.0016%); highest among the groups gnomAD compares: Middle Eastern, 0.016%; no homozygotes.

Submissions (3):

PreventionGenetics, part of Exact Sciences
Classification: Likely pathogenic for ADAMTS13-related condition. Last evaluated: 2026-07-18. Review status: criteria provided, single submitter. Criteria: ACMG Guidelines, 2015. Collection method: clinical testing. Allele origin: germline.
Comment: The ADAMTS13 c.2068G>A variant is predicted to result in the amino acid substitution p.Ala690Thr. This variant has been reported in the compound heterozygous state in two individuals with pregnancy-associated thrombotic thrombocytopenic purpura (TTP, a.k.a. Upshaw-Schulman syndrome; Camilleri et al. 2012. PubMed ID: 22783805; Deal et al. 2013. PubMed ID: 23208954). In vitro experimental studies found that the p.Ala690Thr variant was associated with reduced ADAMTS13 protein expression (Camilleri et al. 2012. PubMed ID: 22783805). This variant is present in 0.0018% of alleles in individuals of European (Non-Finnish) descent in gnomAD. This variant is interpreted as likely pathogenic.

Fulgent Genetics
Classification: Likely pathogenic for Upshaw-Schulman syndrome. Last evaluated: 2024-05-31. Review status: criteria provided, single submitter. Criteria: ACMG Guidelines, 2015. Collection method: clinical testing. Allele origin: germline.

Mayo Clinic Laboratories, Mayo Clinic
Classification: Likely pathogenic. Last evaluated: 2019-11-24. Review status: criteria provided, single submitter. Criteria: ACMG Guidelines, 2015. Collection method: clinical testing. Allele origin: germline. Observed: 1 variant allele.
Comment: PS3_Moderate, PS4_Moderate, PM2, PM3, PP4

Literature cited by the submitters: PubMed 22783805 (cited by Mayo Clinic Laboratories, Mayo Clinic); PubMed 23208954 (cited by Mayo Clinic Laboratories, Mayo Clinic); PubMed 23346910 (cited by Mayo Clinic Laboratories, Mayo Clinic).